The following is an entry in ClinVar:

NM_000836.4(GRIN2D):c.2972C>T (p.Pro991Leu)

Gene: GRIN2D (glutamate ionotropic receptor NMDA type subunit 2D; plus strand). Cytogenetic location: 19q13.33.
Variant type: single nucleotide variant.
Coding change: c.2972C>T on transcript NM_000836.4 (MANE Select); coding-DNA position 2972, C replaced by T.
Protein change: p.Pro991Leu; replaces proline 991 with leucine.
Molecular consequence: missense variant.
Genome position (GRCh38, 1-based): chr19:48,442,898, C>T. VCF-style: chr19-48442898-C-T. GRCh37 (hg19) VCF-style: chr19-48946155-C-T.
Other names: short protein forms P991L.
Identifiers: ClinVar variation 2995766 (VCV002995766.3), dbSNP rs2513692176, ClinGen allele CA406674470.

ClinVar aggregate classification (germline): Uncertain significance (1 of 4 stars; one submission).

Allele frequency attached by ClinVar (database versions not stated): gnomAD exomes 0.00001.
gnomAD v4.1: 7 of 1,096,426 alleles (0.00064%); highest among the groups gnomAD compares: Non-Finnish European, 0.00077%; no homozygotes.

Submission:

Labcorp Genetics (formerly Invitae), Labcorp
Classification: Uncertain significance. Last evaluated: 2023-08-02. Review status: criteria provided, single submitter. Criteria: Invitae Variant Classification Sherloc (09022015). Collection method: clinical testing. Allele origin: germline.
Comment: In summary, the available evidence is currently insufficient to determine the role of this variant in disease. Therefore, it has been classified as a Variant of Uncertain Significance. Advanced modeling of protein sequence and biophysical properties (such as structural, functional, and spatial information, amino acid conservation, physicochemical variation, residue mobility, and thermodynamic stability) performed at Invitae indicates that this missense variant is not expected to disrupt GRIN2D protein function. This variant has not been reported in the literature in individuals affected with GRIN2D-related conditions. The frequency data for this variant in the population databases is considered unreliable, as metrics indicate insufficient coverage at this position in the gnomAD database. This sequence change replaces proline, which is neutral and non-polar, with leucine, which is neutral and non-polar, at codon 991 of the GRIN2D protein (p.Pro991Leu).